The following is an entry in ClinVar:

ClinVar aggregate classification (germline): Uncertain significance (1 of 4 stars; one submission).

Conditions:
Cataract 1 multiple types. Also called: CATARACT, DUFFY-LINKED; CATARACT 1, POSTERIOR SUBCAPSULAR, WITH MICROCORNEA; CATARACT 1, STELLATE NUCLEAR, WITH MICROCORNEA; CATARACT 1, MULTIPLE TYPES, WITH OR WITHOUT MICROCORNEA; CATARACT 1, NUCLEAR PROGRESSIVE; CATARACT 1 WITH MICROCORNEA. Identifiers: Orphanet 1377, MedGen C1861828, MONDO:0007285, OMIM 116200.

gnomAD v4.1: 2 of 1,614,198 alleles (0.00012%); highest among the groups gnomAD compares: Non-Finnish European, 0.00017%; no homozygotes.

Submission:

Dept. Genetics and Cancer, Menzies Institute for Medical Research, University of Tasmania
Classification: Uncertain significance for Cataract 1 multiple types. Last evaluated: 2023-01-21. Review status: criteria provided, single submitter. Criteria: ACMG Guidelines, 2015. Collection method: curation. Allele origin: germline. Affected: yes.
Comment: Variant identified and curated during a GJA8 specific review of the literature in relation to pediatric or congenital cataract. ACMG-AMP criteria applied: PM2(Supporting), BP5. Original variant report: PMID:29464339. Additional phenotype/s reported in these individual/s are: Optic nerve coloboma, nystagmus, photophobia and small kidneys. Gene review and curation guidelines are outlined in: DOI 10.1080/17469899.2023.2160320

Literature cited by the submitters: PubMed 29464339.

NM_005267.5(GJA8):c.875T>A (p.Leu292Gln)

Gene: GJA8 (gap junction protein alpha 8; plus strand). Cytogenetic location: 1q21.2.
Variant type: single nucleotide variant.
Coding change: c.875T>A on transcript NM_005267.5 (MANE Select); coding-DNA position 875, T replaced by A.
Protein change: p.Leu292Gln; replaces leucine 292 with glutamine.
Molecular consequence: missense variant.
Genome position (GRCh38, 1-based): chr1:147,908,830, T>A. VCF-style: chr1-147908830-T-A. GRCh37 (hg19) VCF-style: chr1-147380957-T-A.
Other names: short protein forms L292Q.
Identifiers: ClinVar variation 3253675 (VCV003253675.1), dbSNP rs886045255.
Genomic context (GRCh38, chr1:147,908,830, plus strand): 5'-AGAAAATCGTTTCCCACTATTTCCCCTTGACCGAGGTTGGGATGGTGGAGACCAGCCCAC[T>A]GCCTGCCAAGCCTTTCAATCAGTTCGAGGAGAAGATCAGCACAGGACCCCTGGGGGACTT-3'
Protein context (NP_005258.2, residues 282-302): TEVGMVETSP[Leu292Gln]PAKPFNQFEE